The following is an entry in ClinVar:

ClinVar aggregate classification (germline): Uncertain significance (1 of 4 stars; one submission).

Submission:

GeneDx
Classification: Uncertain significance. Last evaluated: 2022-03-17. Review status: criteria provided, single submitter. Criteria: GeneDx Variant Classification Process June 2021. Collection method: clinical testing. Allele origin: germline. Affected: yes.
Comment: Not observed at significant frequency in large population cohorts (gnomAD); In silico analysis supports that this missense variant has a deleterious effect on protein structure/function; Has not been previously published as pathogenic or benign to our knowledge

NM_138576.4(BCL11B):c.1499C>T (p.Pro500Leu)

Gene: BCL11B (BCL11 transcription factor B; minus strand). Cytogenetic location: 14q32.2.
Variant type: single nucleotide variant.
Coding change: c.1499C>T on transcript NM_138576.4 (MANE Select); coding-DNA position 1499, C replaced by T.
Protein change: p.Pro500Leu; replaces proline 500 with leucine.
Molecular consequence: missense variant.
Genome position (GRCh38, 1-based): chr14:99,175,337, G>A on the plus strand (C>T on the coding strand, the complement: BCL11B is on the minus strand). VCF-style: chr14-99175337-G-A. GRCh37 (hg19) VCF-style: chr14-99641674-G-A.
Other names: c.1496C>T, p.Pro499Leu (NM_001282237.2); c.1283C>T, p.Pro428Leu (NM_001282238.2); c.1286C>T, p.Pro429Leu (NM_022898.3); short protein forms P428L, P429L, P499L, P500L.
Identifiers: ClinVar variation 1706387 (VCV001706387.2), dbSNP rs1460285746, ClinGen allele CA390935240.